The following is an entry in ClinVar:

NM_001130144.3(LTBP3):c.2936A>T (p.Gln979Leu)

Genes: LTBP3 (latent transforming growth factor beta binding protein 3; minus strand), LOC121832793 (Sharpr-MPRA regulatory region 4001; plus strand). Cytogenetic location: 11q13.1.
Variant type: single nucleotide variant.
Coding change: c.2936A>T on transcript NM_001130144.3 (MANE Select); coding-DNA position 2936, A replaced by T.
Protein change: p.Gln979Leu; replaces glutamine 979 with leucine.
Molecular consequence: missense variant.
Genome position (GRCh38, 1-based): chr11:65,540,912, T>A on the plus strand (A>T on the coding strand, the complement: LTBP3 is on the minus strand). VCF-style: chr11-65540912-T-A. GRCh37 (hg19) VCF-style: chr11-65308383-T-A.
Other names: c.2585A>T, p.Gln862Leu (NM_001164266.1); c.2936A>T, p.Gln979Leu (NM_021070.4); short protein forms Q862L, Q979L.
Identifiers: ClinVar variation 3233164 (VCV003233164.1), dbSNP rs1856103199, ClinGen allele CA381268045.

ClinVar aggregate classification (germline): Uncertain significance (1 of 4 stars; one submission).

Conditions:
Inborn genetic diseases. Identifiers: MedGen C0950123, MeSH D030342.

Allele frequency attached by ClinVar (database versions not stated): TOPMed below 0.00001.

Submission:

Ambry Genetics
Classification: Uncertain significance for Inborn genetic diseases. Last evaluated: 2024-01-01. Review status: criteria provided, single submitter. Criteria: Ambry Variant Classification Scheme 2023. Collection method: clinical testing. Allele origin: germline.
Comment: The p.Q979L variant (also known as c.2936A>T), located in coding exon 21 of the LTBP3 gene, results from an A to T substitution at nucleotide position 2936. The glutamine at codon 979 is replaced by leucine, an amino acid with dissimilar properties. This amino acid position is conserved. In addition, the in silico prediction for this alteration is inconclusive. Since supporting evidence is limited at this time, the clinical significance of this alteration remains unclear.